The following is an entry in ClinVar:

NM_003737.4(DCHS1):c.2735C>T (p.Pro912Leu)

Gene: DCHS1 (dachsous cadherin-related 1; minus strand). Cytogenetic location: 11p15.4.
Variant type: single nucleotide variant.
Coding change: c.2735C>T on transcript NM_003737.4 (MANE Select); coding-DNA position 2735, C replaced by T.
Protein change: p.Pro912Leu; replaces proline 912 with leucine.
Molecular consequence: missense variant.
Genome position (GRCh38, 1-based): chr11:6,632,777, G>A on the plus strand (C>T on the coding strand, the complement: DCHS1 is on the minus strand). VCF-style: chr11-6632777-G-A. GRCh37 (hg19) VCF-style: chr11-6654008-G-A.
Other names: short protein forms P912L.
Identifiers: ClinVar variation 1984150 (VCV001984150.4), dbSNP rs752156160, ClinGen allele CA5860667.

ClinVar aggregate classification (germline): Uncertain significance (1 of 4 stars; one submission).

Allele frequency attached by ClinVar (database versions not stated): ExAC 0.00002; gnomAD 0.00002; TOPMed 0.00003; gnomAD exomes 0.00007.

Submission:

Labcorp Genetics (formerly Invitae), Labcorp
Classification: Uncertain significance. Last evaluated: 2025-09-08. Review status: criteria provided, single submitter. Criteria: Invitae Variant Classification Sherloc (09022015). Collection method: clinical testing. Allele origin: germline.
Comment: This sequence change replaces proline, which is neutral and non-polar, with leucine, which is neutral and non-polar, at codon 912 of the DCHS1 protein (p.Pro912Leu). This variant is present in population databases (rs752156160, gnomAD 0.004%). This variant has not been reported in the literature in individuals affected with DCHS1-related conditions. ClinVar contains an entry for this variant (Variation ID: 1984150). An algorithm developed to predict the effect of missense changes on protein structure and function outputs the following: PolyPhen-2: "Benign". The leucine amino acid residue is found in multiple mammalian species, which suggests that this missense change does not adversely affect protein function. In summary, the available evidence is currently insufficient to determine the role of this variant in disease. Therefore, it has been classified as a Variant of Uncertain Significance.